The following is an entry in ClinVar:

ClinVar aggregate classification (germline): Uncertain significance (1 of 4 stars; one submission).

Conditions:
Dextro-looped transposition of the great arteries. Also called: Dextrotransposition of the great arteries. Identifiers: Orphanet 860, MedGen C3531771, MONDO:0019443, OMIM 608808, HP:0031348.

Submission:

Labcorp Genetics (formerly Invitae), Labcorp
Classification: Uncertain significance for Dextro-looped transposition of the great arteries. Last evaluated: 2025-10-20. Review status: criteria provided, single submitter. Criteria: Invitae Variant Classification Sherloc (09022015). Collection method: clinical testing. Allele origin: germline.
Comment: This sequence change replaces valine, which is neutral and non-polar, with phenylalanine, which is neutral and non-polar, at codon 436 of the MED13L protein (p.Val436Phe). This variant is not present in population databases (gnomAD no frequency). This variant has not been reported in the literature in individuals affected with MED13L-related conditions. Invitae Evidence Modeling of protein sequence and biophysical properties (such as structural, functional, and spatial information, amino acid conservation, physicochemical variation, residue mobility, and thermodynamic stability) indicates that this missense variant is not expected to disrupt MED13L protein function with a negative predictive value of 80%. In summary, the available evidence is currently insufficient to determine the role of this variant in disease. Therefore, it has been classified as a Variant of Uncertain Significance.

NM_015335.5(MED13L):c.1306G>T (p.Val436Phe)

Gene: MED13L (mediator complex subunit 13L; minus strand). Cytogenetic location: 12q24.21.
Variant type: single nucleotide variant.
Coding change: c.1306G>T on transcript NM_015335.5 (MANE Select); coding-DNA position 1306, G replaced by T.
Protein change: p.Val436Phe; replaces valine 436 with phenylalanine.
Molecular consequence: missense variant.
Genome position (GRCh38, 1-based): chr12:116,009,107, C>A on the plus strand (G>T on the coding strand, the complement: MED13L is on the minus strand). VCF-style: chr12-116009107-C-A. GRCh37 (hg19) VCF-style: chr12-116446912-C-A.
Other names: short protein forms V436F.
Identifiers: ClinVar variation 4777400 (VCV004777400.1).